The following is an entry in ClinVar:

ClinVar aggregate classification (germline): Uncertain significance. Review status: criteria provided, multiple submitters, no conflicts (2 of 4 stars). 2 submissions from 2 submitters: Uncertain significance (2). Last evaluated 2025-06-04.

Conditions:
Long QT syndrome (LQTS). Identifiers: MedGen C0023976, MeSH D008133, MONDO:0002442. Disease mechanism: loss of function. Inheritance: Various modes of inheritance.

Allele frequency attached by ClinVar (database versions not stated): gnomAD exomes below 0.00001; TOPMed 0.00002.
gnomAD v4.1: 2 of 1,613,056 alleles (0.00012%); highest among the groups gnomAD compares: Admixed American, 0.0033%; no homozygotes.

Submissions (2):

GeneDx
Classification: Uncertain significance. Last evaluated: 2025-06-04. Review status: criteria provided, single submitter. Criteria: GeneDx Variant Classification Process June 2021. Collection method: clinical testing. Allele origin: germline. Affected: yes.
Comment: Not observed at significant frequency in large population cohorts (gnomAD); In silico analysis supports that this missense variant has a deleterious effect on protein structure/function; Has not been previously published as pathogenic or benign to our knowledge

Labcorp Genetics (formerly Invitae), Labcorp
Classification: Uncertain significance for Long QT syndrome. Last evaluated: 2018-12-17. Review status: criteria provided, single submitter. Criteria: Invitae Variant Classification Sherloc (09022015). Collection method: clinical testing. Allele origin: germline.
Comment: This variant has not been reported in the literature in individuals with ANK2-related conditions. This variant is not present in population databases (ExAC no frequency). This sequence change replaces alanine with serine at codon 39 of the ANK2 protein (p.Ala39Ser). The alanine residue is highly conserved and there is a moderate physicochemical difference between alanine and serine. Algorithms developed to predict the effect of missense changes on protein structure and function are either unavailable or do not agree on the potential impact of this missense change (SIFT: "Deleterious"; PolyPhen-2: "Probably Damaging"; Align-GVGD: "Class C0"). In summary, the available evidence is currently insufficient to determine the role of this variant in disease. Therefore, it has been classified as a Variant of Uncertain Significance.

NM_001148.6(ANK2):c.115G>T (p.Ala39Ser)

Gene: ANK2 (ankyrin 2; plus strand). Cytogenetic location: 4q25.
Variant type: single nucleotide variant.
Coding change: c.115G>T on transcript NM_001148.6 (MANE Select); coding-DNA position 115, G replaced by T.
Protein change: p.Ala39Ser; replaces alanine 39 with serine.
Molecular consequence: missense variant.
Genome position (GRCh38, 1-based): chr4:113,174,446, G>T. VCF-style: chr4-113174446-G-T. GRCh37 (hg19) VCF-style: chr4-114095602-G-T.
Other names: c.52G>T, p.Ala18Ser (NM_001127493.3, NM_001354239.2, NM_001354243.2 and 33 more transcripts); c.115G>T, p.Ala39Ser (NM_001354225.2, NM_001354228.2, NM_001354232.2 and 9 more transcripts); c.160G>T, p.Ala54Ser (NM_001354230.2, NM_001354231.2, NM_001354237.2 and 5 more transcripts); c.97G>T, p.Ala33Ser (NM_001354261.2, NM_001386147.1, NM_001386160.1); c.103G>T, p.Ala35Ser (NM_001354269.3, NM_001386148.2, NM_001386186.2 and 1 more transcripts); c.166G>T, p.Ala56Ser (NM_001386174.1, NM_001386175.1); short protein forms A35S, A39S, A54S, A18S, A33S, A56S.
Identifiers: ClinVar variation 659206 (VCV000659206.6), dbSNP rs1463855073, ClinGen allele CA357992906.